The following is an entry in ClinVar:

ClinVar aggregate classification (germline): Uncertain significance. Review status: criteria provided, multiple submitters, no conflicts (2 of 4 stars). 5 submissions from 5 submitters: Uncertain significance (5). Last evaluated 2025-10-29.

Conditions:
Hyperplastic polyposis syndrome. Identifiers: Orphanet 157798, MedGen C4296896, MONDO:0015524.
Sessile serrated polyposis cancer syndrome (SSPCS). Identifiers: Orphanet 157798, MedGen C4310714, MONDO:0014919, OMIM 617108.

Allele frequency attached by ClinVar (database versions not stated): ExAC 0.00011; gnomAD 0.00009; gnomAD exomes 0.00042 and 0.00009; ESP Exome Variant Server 0.00046; TOPMed 0.00011.
gnomAD v4.1: 602 of 1,597,282 alleles (0.038%); highest among the groups gnomAD compares: Non-Finnish European, 0.05%; 2 homozygotes.

Submissions (5):

Labcorp Genetics (formerly Invitae), Labcorp
Classification: Uncertain significance. Last evaluated: 2025-10-29. Review status: criteria provided, single submitter. Criteria: Invitae Variant Classification Sherloc (09022015). Collection method: clinical testing. Allele origin: germline.
Comment: This sequence change replaces proline, which is neutral and non-polar, with serine, which is neutral and polar, at codon 569 of the RNF43 protein (p.Pro569Ser). This variant is present in population databases (rs62636626, gnomAD 0.02%). This variant has not been reported in the literature in individuals affected with RNF43-related conditions. ClinVar contains an entry for this variant (Variation ID: 855229). An algorithm developed to predict the effect of missense changes on protein structure and function outputs the following: PolyPhen-2: "Benign". The serine amino acid residue is found in multiple mammalian species, which suggests that this missense change does not adversely affect protein function. In summary, the available evidence is currently insufficient to determine the role of this variant in disease. Therefore, it has been classified as a Variant of Uncertain Significance.

Ambry Genetics
Classification: Uncertain significance. Last evaluated: 2025-08-10. Review status: criteria provided, single submitter. Criteria: Ambry Variant Classification Scheme 2023. Collection method: clinical testing. Allele origin: germline.

GeneDx
Classification: Uncertain significance. Last evaluated: 2025-05-13. Review status: criteria provided, single submitter. Criteria: GeneDx Variant Classification Process June 2021. Collection method: clinical testing. Allele origin: germline.
Comment: In silico analysis suggests that this missense variant does not alter protein structure/function; Has not been previously published as pathogenic or benign to our knowledge; This variant is associated with the following publications: (PMID: Re2022[Article])

Baylor Genetics
Classification: Uncertain significance for Sessile serrated polyposis cancer syndrome. Last evaluated: 2023-10-17. Review status: criteria provided, single submitter. Criteria: ACMG Guidelines, 2015. Collection method: clinical testing. Allele origin: unknown.

Department of Pathology and Laboratory Medicine, Sinai Health System
Classification: Uncertain significance for Hyperplastic polyposis syndrome. Last evaluated: 2023-02-03. Review status: criteria provided, single submitter. Criteria: ACMG Guidelines, 2015. Collection method: clinical testing. Allele origin: germline. Affected: yes.

NM_017763.6(RNF43):c.1705C>T (p.Pro569Ser)

Gene: RNF43 (ring finger protein 43; minus strand). Cytogenetic location: 17q22.
Variant type: single nucleotide variant.
Coding change: c.1705C>T on transcript NM_017763.6 (MANE Select); coding-DNA position 1705, C replaced by T.
Protein change: p.Pro569Ser; replaces proline 569 with serine.
Molecular consequence: missense variant.
Genome position (GRCh38, 1-based): chr17:58,358,071, G>A on the plus strand (C>T on the coding strand, the complement: RNF43 is on the minus strand). VCF-style: chr17-58358071-G-A. GRCh37 (hg19) VCF-style: chr17-56435432-G-A.
Other names: c.1705C>T, p.Pro569Ser (NM_001305544.3); c.1324C>T, p.Pro442Ser (NM_001305545.2); short protein forms P442S, P569S.
Identifiers: ClinVar variation 855229 (VCV000855229.14), dbSNP rs62636626, ClinGen allele CA8673129.
Genomic context (GRCh38, chr17:58,358,071, plus strand): 5'-GCTGGGGCTGTGTCCGAGGAATAGGAGGCCTGGACTGGGGGACTCCGGTTTCTGGGCCAG[G>A]CTTCCTGCCATGCCACTGGAACCGCTTTTTGTAGTGGTGGTGCCGGTGGCGGTGGTAGTG-3'
Protein context (NP_060233.3, residues 559-579): KKRFQWHGRK[Pro569Ser]GPETGVPQSR